The following is an entry in ClinVar:

NM_021098.3(CACNA1H):c.1702G>A (p.Asp568Asn)

Gene: CACNA1H (calcium voltage-gated channel subunit alpha1 H; plus strand). Cytogenetic location: 16p13.3.
Variant type: single nucleotide variant.
Coding change: c.1702G>A on transcript NM_021098.3 (MANE Select); coding-DNA position 1702, G replaced by A.
Protein change: p.Asp568Asn; replaces aspartic acid 568 with asparagine.
Molecular consequence: missense variant.
Genome position (GRCh38, 1-based): chr16:1,202,152, G>A. VCF-style: chr16-1202152-G-A. GRCh37 (hg19) VCF-style: chr16-1252152-G-A.
Other names: c.1702G>A, p.Asp568Asn (NM_001005407.2); short protein forms D568N.
Identifiers: ClinVar variation 460050 (VCV000460050.28), dbSNP rs61056448, ClinGen allele CA7799982.

ClinVar aggregate classification (germline): Benign/Likely benign. Review status: criteria provided, multiple submitters, no conflicts (2 of 4 stars). 5 submissions from 5 submitters: Benign (3); Likely benign (2). Last evaluated 2026-03-01.

Conditions:
Idiopathic generalized epilepsy. Also called: EIG; Generalised epilepsy. Identifiers: MedGen C0270850, MONDO:0005579, OMIM 600669.
Hyperaldosteronism, familial, type IV (HALD4). Also called: FH IV; ALDOSTERONISM, PRIMARY, AND HYPERTENSION. Identifiers: Orphanet 642671, MedGen C4310756, MONDO:0014875, OMIM 617027.
Epilepsy, childhood absence, susceptibility to, 6. Identifiers: Orphanet 64280, MedGen C2749872, MONDO:0012763, OMIM 611942.

Allele frequency attached by ClinVar (database versions not stated): ESP Exome Variant Server 0.00042; gnomAD 0.00086 and 0.00100; 1000 Genomes Project 30x 0.00109; TOPMed 0.00114; 1000 Genomes Project 0.00120; gnomAD exomes 0.00194; ExAC 0.00550.
gnomAD v4.1: 1,728 of 1,550,318 alleles (0.11%); highest among the groups gnomAD compares: Middle Eastern, 1.2%; 20 homozygotes.

Submissions (5):

CeGaT Center for Human Genetics Tuebingen
Classification: Likely benign. Last evaluated: 2026-03-01. Review status: criteria provided, single submitter. Criteria: CeGaT Center For Human Genetics Tuebingen Variant Classification Criteria Version 2. Collection method: clinical testing. Allele origin: germline. Affected: yes. Observed: 4 variant alleles.
Comment: CACNA1H: BS2

Labcorp Genetics (formerly Invitae), Labcorp
Classification: Benign for Idiopathic generalized epilepsy; Hyperaldosteronism, familial, type IV. Last evaluated: 2026-01-26. Review status: criteria provided, single submitter. Criteria: Invitae Variant Classification Sherloc (09022015). Collection method: clinical testing. Allele origin: germline.

Blueprint Genetics
Classification: Likely benign. Last evaluated: 2024-11-27. Review status: criteria provided, single submitter. Criteria: ACMG Guidelines, 2015. Collection method: clinical testing. Allele origin: germline.

Athena Diagnostics
Classification: Benign. Last evaluated: 2018-03-08. Review status: criteria provided, single submitter. Criteria: Athena Diagnostics Criteria. Collection method: clinical testing. Allele origin: germline.

Breakthrough Genomics
Classification: Benign. Review status: criteria provided, single submitter. Criteria: ACMG Guidelines, 2015. Collection method: not provided. Allele origin: germline. Inheritance: Autosomal dominant inheritance. Affected: yes.